The following is an entry in ClinVar:

NM_001042492.3(NF1):c.5075_5079del (p.Lys1691_Tyr1692insTer)

Gene: NF1 (neurofibromin 1; plus strand). Cytogenetic location: 17q11.2.
Variant type: Deletion.
Coding change: c.5075_5079del on transcript NM_001042492.3 (MANE Select); coding-DNA positions 5075 to 5079, 5 bases deleted (ATCAT; older notation c.5075_5079delATCAT).
Protein change: p.Lys1691_Tyr1692insTer.
Molecular consequence: nonsense. On other transcripts: frameshift variant (1).
Genome position (GRCh38, 1-based): chr17:31,326,059-31,326,063, ATCAT deleted; deleting any 5 consecutive bases within chr17:31,326,058-31,326,063 gives the same sequence; the c. name uses the placement nearest the transcript's 3' end. VCF-style (leftmost placement, unchanged base first): chr17-31326057-GTATCA-G. GRCh37 (hg19) VCF-style: chr17-29653075-GTATCA-G.
Other names: c.5012_5016delATCAT, p.Tyr1671Terfs (NM_000267.4).
Identifiers: ClinVar variation 3659477 (VCV003659477.2).

ClinVar aggregate classification (germline): Pathogenic (1 of 4 stars; one submission).

Conditions:
Neurofibromatosis, type 1 (NF1). Also called: Peripheral type neurofibromatosis; VON RECKLINGHAUSEN DISEASE; NEUROFIBROMATOSIS, TYPE I, SOMATIC; Neurofibromatosis, type I. Identifiers: Orphanet 636, MedGen C0027831, MONDO:0018975, OMIM 162200. Disease mechanism: loss of function.

Submission:

Labcorp Genetics (formerly Invitae), Labcorp
Classification: Pathogenic for Neurofibromatosis, type 1. Last evaluated: 2024-07-13. Review status: criteria provided, single submitter. Criteria: Invitae Variant Classification Sherloc (09022015). Collection method: clinical testing. Allele origin: germline.
Comment: This sequence change creates a premature translational stop signal (p.Tyr1671*) in the NF1 gene. It is expected to result in an absent or disrupted protein product. Loss-of-function variants in NF1 are known to be pathogenic (PMID: 10712197, 23913538). This variant is not present in population databases (gnomAD no frequency). This variant has not been reported in the literature in individuals affected with NF1-related conditions. For these reasons, this variant has been classified as Pathogenic.

Literature cited by the submitters: PubMed 10712197; PubMed 23913538.